The following is an entry in ClinVar:

ClinVar aggregate classification (germline): Uncertain significance (1 of 4 stars; one submission).

Conditions:
Dilated cardiomyopathy 1G (CMD1G). Identifiers: Orphanet 154, MedGen C1858763, MONDO:0011400, OMIM 604145.
Autosomal recessive limb-girdle muscular dystrophy type 2J (LGMDR10). Also called: Limb-girdle muscular dystrophy, type 2J; MUSCULAR DYSTROPHY, LIMB-GIRDLE, AUTOSOMAL RECESSIVE 10. Identifiers: Orphanet 140922, MedGen C1837342, MONDO:0012127, OMIM 608807.

Allele frequency attached by ClinVar (database versions not stated): gnomAD exomes below 0.00001.
gnomAD v4.1: 2 of 1,613,964 alleles (0.00012%); highest among the groups gnomAD compares: Non-Finnish European, 0.00017%; no homozygotes.

Submission:

Labcorp Genetics (formerly Invitae), Labcorp
Classification: Uncertain significance for Dilated cardiomyopathy 1G; Autosomal recessive limb-girdle muscular dystrophy type 2J. Last evaluated: 2019-08-26. Review status: criteria provided, single submitter. Criteria: Invitae Variant Classification Sherloc (09022015). Collection method: clinical testing. Allele origin: germline.
Comment: Algorithms developed to predict the effect of missense changes on protein structure and function are unavailable for the TTN gene. This variant is located in the M band of TTN (PMID: 25589632). Variants in this region may be relevant for neuromuscular disorders, but have not been definitively shown to cause cardiomyopathy (PMID: 23975875). In summary, the available evidence is currently insufficient to determine the role of this variant in disease. Therefore, it has been classified as a Variant of Uncertain Significance. This variant has been reported in individuals in the Leiden Open-source Variation Database (PMID: 21520333). This variant is not present in population databases (ExAC no frequency). This sequence change replaces proline with leucine at codon 34954 of the TTN protein (p.Pro34954Leu). There is a moderate physicochemical difference between proline and leucine.

Literature cited by the submitters: PubMed 25589632; PubMed 23975875; PubMed 21520333.

NM_001267550.2(TTN):c.104861C>T (p.Pro34954Leu)

Genes: TTN (titin; minus strand), TTN-AS1 (TTN antisense RNA 1; plus strand). Cytogenetic location: 2q31.2.
Variant type: single nucleotide variant.
Coding change: c.104861C>T on transcript NM_001267550.2 (MANE Select); coding-DNA position 104861, C replaced by T.
Protein change: p.Pro34954Leu; replaces proline 34954 with leucine.
Molecular consequence: missense variant.
Genome position (GRCh38, 1-based): chr2:178,531,754, G>A on the plus strand (C>T on the coding strand, the complement: TTN is on the minus strand). VCF-style: chr2-178531754-G-A. GRCh37 (hg19) VCF-style: chr2-179396481-G-A.
Other names: c.99938C>T, p.Pro33313Leu (NM_001256850.1); c.77666C>T, p.Pro25889Leu (NM_003319.4); c.97157C>T, p.Pro32386Leu (NM_133378.4); c.78041C>T, p.Pro26014Leu (NM_133432.3); c.78242C>T, p.Pro26081Leu (NM_133437.4); short protein forms P26081L, P26014L, P32386L, P34954L, P25889L, P33313L.
Identifiers: ClinVar variation 940085 (VCV000940085.8), dbSNP rs1689198573, ClinGen allele CA349410697.